The following is an entry in ClinVar:

ClinVar aggregate classification (germline): Pathogenic. Review status: criteria provided, multiple submitters, no conflicts (2 of 4 stars). 14 submissions from 14 submitters: Pathogenic (13). 1 of the submissions does not count toward it. Last evaluated 2026-01-21.

Conditions:
CHRNE-related disorder. Also called: CHRNE-related condition.
Congenital myasthenic syndrome 4A. Also called: Myasthenic syndrome, congenital, 4a, slow-channel; MYASTHENIC SYNDROME, CONGENITAL, 4A, SLOW-CHANNEL, AUTOSOMAL RECESSIVE; CONGENITAL MYASTHENIC SYNDROME TYPE Ia1. Identifiers: Orphanet 590, MedGen C4225413, MONDO:0011600, OMIM 605809.
Congenital myasthenic syndrome 4C (CMS4C). Also called: Myasthenic syndrome, congenital, associated with acetylcholine receptor deficiency. Identifiers: Orphanet 590, MedGen C1837091, MONDO:0012157, OMIM 608931.
Congenital myasthenic syndrome 4B. Also called: Myasthenic syndrome, congenital, 4b, fast-channel. Identifiers: Orphanet 590, MedGen C4225369, MONDO:0014586, OMIM 616324.
Congenital myasthenic syndrome (CMS). Also called: Congenital Myasthenic Syndromes. Identifiers: Orphanet 590, MedGen C0751882, MeSH D020294, MONDO:0018940.
Abnormality of the musculature. Identifiers: MedGen C4021745, HP:0003011.

Submissions (14):

Labcorp Genetics (formerly Invitae), Labcorp
Classification: Pathogenic for Congenital myasthenic syndrome 4A. Last evaluated: 2026-01-21. Review status: criteria provided, single submitter. Criteria: Invitae Variant Classification Sherloc (09022015). Collection method: clinical testing. Allele origin: germline.
Comment: This sequence change creates a premature translational stop signal (p.Glu44Glyfs*3) in the CHRNE gene. It is expected to result in an absent or disrupted protein product. Loss-of-function variants in CHRNE are known to be pathogenic (PMID: 22678886). This variant is present in population databases (rs762368691, gnomAD 0.06%). This premature translational stop signal has been observed in individuals with autosomal recessive congenital myasthenic syndrome (PMID: 9708546). This variant is also known as epsilon70insG. ClinVar contains an entry for this variant (Variation ID: 243030). For these reasons, this variant has been classified as Pathogenic.

Genomic Medicine Center of Excellence, King Faisal Specialist Hospital and Research Centre
Classification: Pathogenic for Congenital myasthenic syndrome 4B. Last evaluated: 2025-09-10. Review status: criteria provided, single submitter. Criteria: ACMG Guidelines, 2015. Collection method: clinical testing. Allele origin: germline.

Natera, Inc.
Classification: Pathogenic for Congenital myasthenic syndrome. Last evaluated: 2025-09-09. Review status: criteria provided, single submitter. Criteria: Natera Variant Classification Schema (03/2026). Collection method: clinical testing. Allele origin: germline.
Comment: The c.130dupG variant in CHRNE is a frameshift variant predicted to shift the reading frame beginning at codon 44 and leads to a stop codon 3 codons downstream. This variant is expected to result in nonsense mediated decay, truncation, or a dysfunctional protein product. This variant is rare in the general population with a frequency below the threshold expected for the associated phenotype(s). This variant has been observed in one or more individuals affected with the associated recessive disease, as either homozygous or compound heterozygous with a second variant (PMID: 37721175). Given the available evidence, this variant is classified as Pathogenic.

Blueprint Genetics
Classification: Pathogenic for CHRNE-related disorders. Last evaluated: 2024-09-06. Review status: criteria provided, single submitter. Criteria: ACMG Guidelines, 2015. Collection method: clinical testing. Allele origin: germline. Affected: yes. Observed: 5 variant alleles.

Fulgent Genetics
Classification: Pathogenic for Congenital myasthenic syndrome 4A; Congenital myasthenic syndrome 4C; Congenital myasthenic syndrome 4B. Last evaluated: 2024-05-02. Review status: criteria provided, single submitter. Criteria: ACMG Guidelines, 2015. Collection method: clinical testing. Allele origin: germline.

Baylor Genetics
Classification: Pathogenic for Congenital myasthenic syndrome 4A. Last evaluated: 2024-03-27. Review status: criteria provided, single submitter. Criteria: ACMG Guidelines, 2015. Collection method: clinical testing. Allele origin: unknown.

Revvity Omics, Revvity
Classification: Pathogenic. Last evaluated: 2023-05-16. Review status: criteria provided, single submitter. Criteria: ACMG Guidelines, 2015. Collection method: clinical testing. Allele origin: germline.

Greenwood Genetic Center Diagnostic Laboratories, Greenwood Genetic Center
Classification: Pathogenic for Congenital myasthenic syndrome 4A; Congenital myasthenic syndrome 4B; Congenital myasthenic syndrome 4C. Last evaluated: 2022-03-11. Review status: criteria provided, single submitter. Criteria: ACMG Guidelines, 2015. Collection method: clinical testing. Allele origin: germline. Affected: yes.
Comment: PVS1, PM2, PM3

Foundation for Research in Genetics and Endocrinology, FRIGE's Institute of Human Genetics
Classification: Pathogenic for Congenital myasthenic syndrome 4A; Congenital myasthenic syndrome 4B; Congenital myasthenic syndrome 4C. Last evaluated: 2021-11-27. Review status: criteria provided, single submitter. Criteria: ACMG Guidelines, 2015. Collection method: clinical testing. Allele origin: germline. Inheritance: Autosomal recessive inheritance. Affected: yes. Observed: 1 homozygote.
Comment: A homozygous single base pair duplication in exon 2 of the CHRNE gene that results in a frameshift and premature truncation of the protein 3 amino acids down stream to codon 44 was detected. This variant has not been reported in the 1000 genomes database and has a minor allele frequency of 0.007% in the gnomAD. The observed variation has previously been reported in patients affected with congenital myasthenic syndrome.

GeneDx
Classification: Pathogenic. Last evaluated: 2021-11-06. Review status: criteria provided, single submitter. Criteria: GeneDx Variant Classification Process June 2021. Collection method: clinical testing. Allele origin: germline. Affected: yes.
Comment: Published functional studies demonstrate impaired a-bgt binding to the acetylcholine receptor (Ohno et al., 1998); Frameshift variant predicted to result in protein truncation or nonsense mediated decay in a gene for which loss-of-function is a known mechanism of disease; This variant is associated with the following publications: (PMID: 9708546, 20301347, 29383513, 31773638)

Kariminejad - Najmabadi Pathology & Genetics Center
Classification: Pathogenic for Abnormality of the musculature. Last evaluated: 2021-07-10. Review status: criteria provided, single submitter. Criteria: ACMG Guidelines, 2015. Collection method: clinical testing. Allele origin: germline. Affected: yes.

Laboratory for Molecular Medicine, Mass General Brigham Personalized Medicine
Classification: Pathogenic for Congenital myasthenic syndrome. Last evaluated: 2018-09-17. Review status: criteria provided, single submitter. Criteria: LMM Criteria. Collection method: clinical testing. Allele origin: germline. Inheritance: Autosomal recessive inheritance. Observed: 1 variant allele.
Comment: The p.Glu44GlyfsX3 variant in CHRNE is a well-established pathogenic variant and has been reported in >20 Spanish and Portuguese individuals with congenital mya sthenic syndrome (Ohno 1998, Mihaylova 2010, Natera-de Benito 2017, Estephan 201 8). It has been reported as Pathogenic in ClinVar (Variation ID 243030), and has been identified in 0.06% (20/33580) of Latino chromosomes by the Genome Aggrega tion Database (gnomAD). Although this variant has been seen in the general population, its frequency is low enough to be consi stent with a recessive carrier frequency. This variant is predicted to cause a f rameshift, which alters the protein?s amino acid sequence beginning at position 44 and leads to a premature termination codon 3 amino acids downstream. This alt eration is then predicted to lead to a truncated or absent protein. In summary, this variant meets criteria to be classified as pathogenic for congenital myasth enic syndrome in an autosomal recessive manner. ACMG/AMP Criteria applied: PVS1, PM3_VeryStrong, PS3_Supporting.

Genetic Services Laboratory, University of Chicago
Classification: Pathogenic. Last evaluated: 2017-08-04. Review status: criteria provided, single submitter. Criteria: ACMG Guidelines, 2015. Collection method: clinical testing. Allele origin: germline. Affected: yes.

GeneReviews
No classification provided. Condition: Congenital myasthenic syndrome. Review status: no classification provided. Collection method: literature only. Allele origin: germline. Affected: yes. Not counted in ClinVar's aggregate classification.

Literature cited by the submitters: PubMed 22678886 (cited by Labcorp Genetics (formerly Invitae), Labcorp); PubMed 9708546 (cited by Labcorp Genetics (formerly Invitae), Labcorp and Laboratory for Molecular Medicine, Mass General Brigham Personalized Medicine); PubMed 37721175 (cited by Natera, Inc.); PubMed 29383513 (cited by Laboratory for Molecular Medicine, Mass General Brigham Personalized Medicine); PubMed 20562457 (cited by Laboratory for Molecular Medicine, Mass General Brigham Personalized Medicine); PubMed 29054425 (cited by Laboratory for Molecular Medicine, Mass General Brigham Personalized Medicine); NCBI Bookshelf NBK1168 (cited by GeneReviews).

NM_000080.4(CHRNE):c.130dup (p.Glu44fs)

Genes: C17orf107 (chromosome 17 open reading frame 107; plus strand), CHRNE (cholinergic receptor nicotinic epsilon subunit; minus strand). Cytogenetic location: 17p13.2.
Variant type: Duplication.
Coding change: c.130dup on transcript NM_000080.4 (MANE Select); coding-DNA position 130, one base duplicated (G; older notation c.130dupG).
Protein change: p.Glu44fs; shifts the reading frame from glutamic acid 44.
Molecular consequence: frameshift variant. On other transcripts: 3 prime UTR variant (1).
Genome position (GRCh38, 1-based): chr17:4,902,680, C duplicated on the plus strand (G on the coding strand, the reverse complement: CHRNE is on the minus strand); the first of 3 consecutive C bases (chr17:4,902,680-4,902,682); duplicating any one gives the same sequence. VCF-style (leftmost placement, unchanged base first): chr17-4902679-T-TC. GRCh37 (hg19) VCF-style: chr17-4805974-T-TC.
Other names: p.Glu44GlyfsX3; c.*2149dup (NM_001145536.2); c.130dupG (NM_000080.4); c.130dup (NM_000080.3); short protein forms E44fs.
Identifiers: ClinVar variation 243030 (VCV000243030.62), dbSNP rs762368691, ClinGen allele CA8314599.